The following is an entry in ClinVar:

NM_014000.3(VCL):c.1519C>T (p.Pro507Ser)

Gene: VCL (vinculin; plus strand). Cytogenetic location: 10q22.2.
Variant type: single nucleotide variant.
Coding change: c.1519C>T on transcript NM_014000.3 (MANE Select); coding-DNA position 1519, C replaced by T.
Protein change: p.Pro507Ser; replaces proline 507 with serine.
Molecular consequence: missense variant.
Genome position (GRCh38, 1-based): chr10:74,094,437, C>T. VCF-style: chr10-74094437-C-T. GRCh37 (hg19) VCF-style: chr10-75854195-C-T.
Other names: c.1519C>T, p.Pro507Ser (NM_003373.4); short protein forms P507S.
Identifiers: ClinVar variation 2162201 (VCV002162201.4), dbSNP rs1160021302, ClinGen allele CA377273991.

ClinVar aggregate classification (germline): Uncertain significance (1 of 4 stars; one submission).

Conditions:
Dilated cardiomyopathy 1W (CMD1W). Identifiers: Orphanet 154, MedGen C1969639, MONDO:0012667, OMIM 611407.

Allele frequency attached by ClinVar (database versions not stated): TOPMed below 0.00001; gnomAD 0.00001.
gnomAD v4.1: 1 of 1,613,918 alleles (0.000062%); highest among the groups gnomAD compares: African/African-American, 0.0013%; no homozygotes.

Submission:

Labcorp Genetics (formerly Invitae), Labcorp
Classification: Uncertain significance for Dilated cardiomyopathy 1W. Last evaluated: 2022-07-04. Review status: criteria provided, single submitter. Criteria: Invitae Variant Classification Sherloc (09022015). Collection method: clinical testing. Allele origin: germline.
Comment: In summary, the available evidence is currently insufficient to determine the role of this variant in disease. Therefore, it has been classified as a Variant of Uncertain Significance. Algorithms developed to predict the effect of missense changes on protein structure and function are either unavailable or do not agree on the potential impact of this missense change (SIFT: "Not Available"; PolyPhen-2: "Probably Damaging"; Align-GVGD: "Not Available"). This variant has not been reported in the literature in individuals affected with VCL-related conditions. This variant is not present in population databases (gnomAD no frequency). This sequence change replaces proline, which is neutral and non-polar, with serine, which is neutral and polar, at codon 507 of the VCL protein (p.Pro507Ser).